The following is an entry in ClinVar:

ClinVar aggregate classification (germline): Uncertain significance (1 of 4 stars; one submission).

Allele frequency attached by ClinVar (database versions not stated): gnomAD exomes 0.00001.
gnomAD v4.1: 12 of 1,611,192 alleles (0.00074%); highest among the groups gnomAD compares: Non-Finnish European, 0.001%; no homozygotes.

Submission:

Labcorp Genetics (formerly Invitae), Labcorp
Classification: Uncertain significance. Last evaluated: 2022-11-22. Review status: criteria provided, single submitter. Criteria: Invitae Variant Classification Sherloc (09022015). Collection method: clinical testing. Allele origin: germline.
Comment: This sequence change replaces serine, which is neutral and polar, with phenylalanine, which is neutral and non-polar, at codon 1150 of the TRIOBP protein (p.Ser1150Phe). This variant is not present in population databases (gnomAD no frequency). This variant has not been reported in the literature in individuals affected with TRIOBP-related conditions. ClinVar contains an entry for this variant (Variation ID: 1447527). Algorithms developed to predict the effect of missense changes on protein structure and function are either unavailable or do not agree on the potential impact of this missense change (SIFT: "Deleterious"; PolyPhen-2: "Probably Damaging"; Align-GVGD: "Class C0"). In summary, the available evidence is currently insufficient to determine the role of this variant in disease. Therefore, it has been classified as a Variant of Uncertain Significance.

NM_001039141.3(TRIOBP):c.3449C>T (p.Ser1150Phe)

Gene: TRIOBP (TRIO and F-actin binding protein; plus strand). Cytogenetic location: 22q13.1.
Variant type: single nucleotide variant.
Coding change: c.3449C>T on transcript NM_001039141.3 (MANE Select); coding-DNA position 3449, C replaced by T.
Protein change: p.Ser1150Phe; replaces serine 1150 with phenylalanine.
Molecular consequence: missense variant.
Genome position (GRCh38, 1-based): chr22:37,726,005, C>T. VCF-style: chr22-37726005-C-T. GRCh37 (hg19) VCF-style: chr22-38122012-C-T.
Other names: short protein forms S1150F.
Identifiers: ClinVar variation 1447527 (VCV001447527.6), dbSNP rs2145835267, ClinGen allele CA411480214.